The following is an entry in ClinVar:

ClinVar aggregate classification (germline): Uncertain significance. Review status: criteria provided, multiple submitters, no conflicts (2 of 4 stars). 2 submissions from 2 submitters: Uncertain significance (2). Last evaluated 2025-08-10.

Conditions:
Inborn genetic diseases. Identifiers: MedGen C0950123, MeSH D030342.

Allele frequency attached by ClinVar (database versions not stated): gnomAD exomes 0.00001.
gnomAD v4.1: 7 of 1,614,260 alleles (0.00043%); highest among the groups gnomAD compares: Non-Finnish European, 0.00059%; no homozygotes.

Submissions (2):

Ambry Genetics
Classification: Uncertain significance for Inborn genetic diseases. Last evaluated: 2025-08-10. Review status: criteria provided, single submitter. Criteria: Ambry Variant Classification Scheme 2023. Collection method: clinical testing. Allele origin: germline.

GeneDx
Classification: Uncertain significance. Last evaluated: 2022-05-23. Review status: criteria provided, single submitter. Criteria: GeneDx Variant Classification Process June 2021. Collection method: clinical testing. Allele origin: germline. Affected: yes.
Comment: Not observed at significant frequency in large population cohorts (gnomAD); In silico analysis supports that this missense variant does not alter protein structure/function; Has not been previously published as pathogenic or benign to our knowledge

NM_021008.4(DEAF1):c.729G>A (p.Met243Ile)

Gene: DEAF1 (DEAF1 transcription factor; minus strand). Cytogenetic location: 11p15.5.
Variant type: single nucleotide variant.
Coding change: c.729G>A on transcript NM_021008.4 (MANE Select); coding-DNA position 729, G replaced by A.
Protein change: p.Met243Ile; replaces methionine 243 with isoleucine.
Molecular consequence: missense variant. On other transcripts: initiator codon variant (4), intron variant (1).
Genome position (GRCh38, 1-based): chr11:686,933, C>T on the plus strand (G>A on the coding strand, the complement: DEAF1 is on the minus strand). VCF-style: chr11-686933-C-T. GRCh37 (hg19) VCF-style: chr11-686933-C-T.
Other names: c.3G>A, p.Met1Ile (NM_001367390.1, NM_001440885.1, NM_001440886.1 and 1 more transcripts); c.729G>A, p.Met243Ile (NM_001440883.1, NM_001440884.1); c.664+978G>A (NM_001293634.2); short protein forms M1I, M243I.
Identifiers: ClinVar variation 1800894 (VCV001800894.3), dbSNP rs1860618248, ClinGen allele CA378932382.
Genomic context (GRCh38, chr11:686,933, plus strand): 5'-CAAGGGTCGGCCCGCGTAGCGAATGCTTCTTTTCCAGTCCTTACTGCTGGCTCTTCCTGC[C>T]ATGGCCTCAAACTCGGTGGGACTGTACCAGTTCTCCCCCTGCTTGATGCACCGTCCCCGG-3'
Protein context (NP_066288.2, residues 233-253): NWYSPTEFEA[Met243Ile]AGRASSKDWK